The following is an entry in ClinVar:

ClinVar aggregate classification (germline): Likely pathogenic. Review status: criteria provided, multiple submitters, no conflicts (2 of 4 stars). 2 submissions from 2 submitters: Likely pathogenic (2). Last evaluated 2024-12-06.

Conditions:
Alpha thalassemia-X-linked intellectual disability syndrome (ATRX). Also called: ALPHA-THALASSEMIA/MENTAL RETARDATION SYNDROME, X-LINKED; ATR, NONDELETION TYPE; ATR-X syndrome; Alpha thalassemia mental retardation syndrome, nondeletion type, X-linked; XLMR hypotonic face syndrome; X-linked alpha-thalassemia-mental retardation syndrome. Identifiers: Orphanet 847, MedGen C1845055, MONDO:0010519, OMIM 301040.
ATRX-related disorder. Also called: ATRX-related condition.

Submissions (2):

Molecular Genetics Laboratory, Motol Hospital
Classification: Likely pathogenic for Alpha thalassemia-X-linked intellectual disability syndrome. Last evaluated: 2024-12-06. Review status: criteria provided, single submitter. Criteria: ACMG Guidelines, 2015. Collection method: clinical testing. Allele origin: maternal. Affected: yes. Observed: 1 variant allele.
Comment: Rare missense variants affecting the ATRX gene are documented as a molecular cause of X-linked "alpha-thalasemia/impaired intellectual development syndrome" (ATRX, OMIM:301040) (PMID:18409179;31781420;16813605). To conclude, the variant is classified as likely pathogenic (ACMG PP1, PM1, PM2, PP2, PP3).

Blueprint Genetics
Classification: Likely pathogenic for ATRX-related disorders. Last evaluated: 2019-09-27. Review status: criteria provided, single submitter. Criteria: ACMG Guidelines, 2015. Collection method: clinical testing. Allele origin: germline. Affected: yes. Observed: 1 variant allele.

Literature cited by the submitters: PubMed 18409179 (cited by Molecular Genetics Laboratory, Motol Hospital); PubMed 31781420 (cited by Molecular Genetics Laboratory, Motol Hospital); PubMed 16813605 (cited by Molecular Genetics Laboratory, Motol Hospital).

NM_000489.6(ATRX):c.5339T>A (p.Phe1780Tyr)

Gene: ATRX (ATRX chromatin remodeler; minus strand). Cytogenetic location: Xq21.1.
Variant type: single nucleotide variant.
Coding change: c.5339T>A on transcript NM_000489.6 (MANE Select); coding-DNA position 5339, T replaced by A.
Protein change: p.Phe1780Tyr; replaces phenylalanine 1780 with tyrosine.
Molecular consequence: missense variant.
Genome position (GRCh38, 1-based): chrX:77,618,915, A>T on the plus strand (T>A on the coding strand, the complement: ATRX is on the minus strand). VCF-style: chrX-77618915-A-T. GRCh37 (hg19) VCF-style: chrX-76874383-A-T.
Other names: c.5225T>A, p.Phe1742Tyr (NM_138270.5); short protein forms F1742Y, F1780Y.
Identifiers: ClinVar variation 3383973 (VCV003383973.3).
Genomic context (GRCh38, chrX:77,618,915, plus strand): 5'-ATCACTCTGACATCTACCATGGTAGAATCTGCACACTGACCATTTTGAATTGGATTTATA[A>T]ATCTATTCCTGAACTCCTTAATGGATCCAAGTAAATTTTCCTTGATAAAATTAACCATAC-3'
Protein context (NP_000480.3, residues 1770-1790): LGSIKEFRNR[Phe1780Tyr]INPIQNGQCA